The following is an entry in ClinVar:

NM_001126108.2(SLC12A3):c.2588T>A (p.Val863Glu)

Gene: SLC12A3 (solute carrier family 12 member 3; plus strand). Cytogenetic location: 16q13.
Variant type: single nucleotide variant.
Coding change: c.2588T>A on transcript NM_001126108.2 (MANE Select); coding-DNA position 2588, T replaced by A.
Protein change: p.Val863Glu; replaces valine 863 with glutamic acid.
Molecular consequence: missense variant.
Genome position (GRCh38, 1-based): chr16:56,894,597, T>A. VCF-style: chr16-56894597-T-A. GRCh37 (hg19) VCF-style: chr16-56928509-T-A.
Other names: c.2615T>A, p.Val872Glu (NM_000339.3); c.2612T>A, p.Val871Glu (NM_001126107.2); c.2585T>A, p.Val862Glu (NM_001410896.1); short protein forms V862E, V863E, V871E, V872E.
Identifiers: ClinVar variation 4856027 (VCV004856027.1).

ClinVar aggregate classification (germline): Uncertain significance (1 of 4 stars; one submission).

Conditions:
Familial hypokalemia-hypomagnesemia (GTLMNS). Also called: HYPOMAGNESEMIA-HYPOKALEMIA, PRIMARY RENOTUBULAR, WITH HYPOCALCIURIA; POTASSIUM AND MAGNESIUM DEPLETION; gitelman syndrome. Identifiers: Orphanet 358, MedGen C0268450, MONDO:0009904, OMIM 263800.

Submission:

3billion
Classification: Uncertain significance for Familial hypokalemia-hypomagnesemia. Last evaluated: 2025-06-23. Review status: criteria provided, single submitter. Criteria: ACMG Guidelines, 2015. Collection method: clinical testing. Allele origin: germline. Affected: yes.
Comment: The variant is observed at an extremely low frequency in the gnomAD v4.1.0 dataset (total allele frequency: 0.019%). Predicted Consequence/Location: Missense variant Functional studies provide strong evidence of the variant having a damaging effect on the gene or gene product (PMID: 16471174). In silico tool predictions suggest damaging effect of the variant on gene or gene product [REVEL: 0.78 (>=0.6, sensitivity 0.68 and specificity 0.92)]. The same nucleotide change resulting in the same amino acid change has been previously reported as pathogenic/likely pathogenic with strong evidence (ClinVar ID: VCV000225470 /PMID: 10616841 /3billion dataset). The variant has been reported to be in trans with a pathogenic variant as either compound heterozygous or homozygous in at least 2 similarly affected unrelated individuals (PMID: 15069170, 21628937, 26770037). The variant has been reported to co-segregate with the disease in at least one similarly affected relative/individual in the same family or similarly affected unrelated families (PMID: 15069170). Different missense changes at the same codon (p.Leu849Phe, p.Leu849Pro) have been reported to be associated with SLC12A3-related disorder (ClinVar ID: VCV002736354 /PMID: 22009145, 37702302). Therefore, this variant is classified as Pathogenic according to the recommendation of ACMG/AMP guideline.